The following is an entry in ClinVar:

ClinVar aggregate classification (germline): Uncertain significance (1 of 4 stars; one submission).

Conditions:
Cardiovascular phenotype. Identifiers: MedGen CN230736.

Submission:

Ambry Genetics
Classification: Uncertain significance for Cardiovascular phenotype. Last evaluated: 2026-03-12. Review status: criteria provided, single submitter. Criteria: Ambry Variant Classification Scheme 2023. Collection method: clinical testing. Allele origin: germline.
Comment: The p.S1103T variant (also known as c.3308G>C), located in coding exon 20 of the SOS1 gene, results from a G to C substitution at nucleotide position 3308. The serine at codon 1103 is replaced by threonine, an amino acid with similar properties. This amino acid position is conserved. In addition, the in silico prediction for this alteration is inconclusive. Based on the available evidence, the clinical significance of this variant remains unclear.

NM_005633.4(SOS1):c.3308G>C (p.Ser1103Thr)

Gene: SOS1 (SOS Ras/Rac guanine nucleotide exchange factor 1; minus strand). Cytogenetic location: 2p22.1.
Variant type: single nucleotide variant.
Coding change: c.3308G>C on transcript NM_005633.4 (MANE Select); coding-DNA position 3308, G replaced by C.
Protein change: p.Ser1103Thr; replaces serine 1103 with threonine.
Molecular consequence: missense variant.
Genome position (GRCh38, 1-based): chr2:38,995,161, C>G on the plus strand (G>C on the coding strand, the complement: SOS1 is on the minus strand). VCF-style: chr2-38995161-C-G. GRCh37 (hg19) VCF-style: chr2-39222302-C-G.
Other names: c.3287G>C, p.Ser1096Thr (NM_001382394.1); c.3308G>C, p.Ser1103Thr (NM_001382395.1); short protein forms S1103T, S1096T.
Identifiers: ClinVar variation 4827548 (VCV004827548.1).